The following is an entry in ClinVar:

ClinVar aggregate classification (germline): Conflicting classifications of pathogenicity. Review status: criteria provided, conflicting classifications (1 of 4 stars). 7 submissions from 7 submitters: Uncertain significance (4); Likely benign (3). Last evaluated 2026-06-24.

Conditions:
TTN-related disorder. Also called: TTN-related condition; TTN-related disease; TTN-related disorders.
Cardiovascular phenotype. Identifiers: MedGen CN230736.
Dilated cardiomyopathy 1G (CMD1G). Identifiers: Orphanet 154, MedGen C1858763, MONDO:0011400, OMIM 604145.
Autosomal recessive limb-girdle muscular dystrophy type 2J (LGMDR10). Also called: Limb-girdle muscular dystrophy, type 2J; MUSCULAR DYSTROPHY, LIMB-GIRDLE, AUTOSOMAL RECESSIVE 10. Identifiers: Orphanet 140922, MedGen C1837342, MONDO:0012127, OMIM 608807.

Allele frequency attached by ClinVar (database versions not stated): gnomAD exomes 0.00002 and 0.00007; ExAC 0.00008; gnomAD 0.00019; ESP Exome Variant Server 0.00034; TOPMed 0.00035; 1000 Genomes Project 0.00040; 1000 Genomes Project 30x 0.00062.
gnomAD v4.1: 59 of 1,609,502 alleles (0.0037%); highest among the groups gnomAD compares: African/African-American, 0.066%; no homozygotes.

Submissions (7):

PreventionGenetics, part of Exact Sciences
Classification: Uncertain significance for TTN-related condition. Last evaluated: 2026-06-24. Review status: criteria provided, single submitter. Criteria: ACMG Guidelines, 2015. Collection method: clinical testing. Allele origin: germline.
Comment: The TTN c.55379C>T variant is predicted to result in the amino acid substitution p.Thr18460Ile. To our knowledge, this variant has not been reported in the literature. This variant is reported in 0.087% of alleles in individuals of African descent in gnomAD, which is likely too common for an undocumented disease-causing variant. Although we suspect that this variant may be benign, at this time, the clinical significance of this variant is uncertain due to the absence of conclusive functional and genetic evidence.

Labcorp Genetics (formerly Invitae), Labcorp
Classification: Likely benign for Dilated cardiomyopathy 1G; Autosomal recessive limb-girdle muscular dystrophy type 2J. Last evaluated: 2026-01-27. Review status: criteria provided, single submitter. Criteria: Invitae Variant Classification Sherloc (09022015). Collection method: clinical testing. Allele origin: germline.

ARUP Laboratories, Molecular Genetics and Genomics, ARUP Laboratories
Classification: Uncertain significance. Last evaluated: 2024-09-16. Review status: criteria provided, single submitter. Criteria: ARUP Molecular Germline Variant Investigation Process 2024. Collection method: clinical testing. Allele origin: germline.
Comment: The TTN variant c.55379C>T; p.Thr18460Ile (rs372778818; ClinVar Variation ID: 202724) is rare in the general population (<0.2% allele frequency in the Genome Aggregation Database) and has not been reported in the medical literature in association with dilated cardiomyopathy (DCM) or other TTN-related disease. The clinical relevance of rare missense variants in this gene, which are identified on average once per individual sequenced in affected populations (Herman 2012), is not well understood. Yet, evidence suggests that the vast majority of such missense variants do not contribute to the clinical outcome of DCM (Begay 2015). Thus, the clinical significance of the p.Thr18460Ile variant cannot be determined with certainty. References: Begay RL et al. Role of Titin Missense Variants in Dilated Cardiomyopathy. J Am Heart Assoc. 2015 Nov 13;4(11). PMID: 26567375. Herman DS et al. Truncations of titin causing dilated cardiomyopathy. N Engl J Med. 2012 Feb 16;366(7):619-28. PMID: 22335739. Linke WA and Hamdani N. Gigantic business: titin properties and function through thick and thin. Circ Res 2014; 114(6): 1052-1068. PMID: 24625729.

Revvity Omics, Revvity
Classification: Uncertain significance. Last evaluated: 2024-04-23. Review status: criteria provided, single submitter. Criteria: ACMG Guidelines, 2015. Collection method: clinical testing. Allele origin: germline.

Ambry Genetics
Classification: Likely benign for Cardiovascular phenotype. Last evaluated: 2020-03-19. Review status: criteria provided, single submitter. Criteria: Ambry Variant Classification Scheme 2023. Collection method: clinical testing. Allele origin: germline.

Women's Health and Genetics/Laboratory Corporation of America, LabCorp
Classification: Likely benign. Last evaluated: 2019-08-19. Review status: criteria provided, single submitter. Criteria: LabCorp Variant Classification Summary - May 2015. Collection method: clinical testing. Allele origin: germline.
Comment: Variant summary: TTN c.47675C>T (p.Thr15892Ile) results in a non-conservative amino acid change located in the A-band region of the encoded protein sequence. Three of five in-silico tools predict a damaging effect of the variant on protein function. The variant allele was found at a frequency of 6.5e-05 in 244694 control chromosomes, predominantly at a frequency of 0.00098 within the African or African-American subpopulation in the gnomAD database. The observed variant frequency within African or African-American control individuals in the gnomAD database is approximately 1.6 fold of the estimated maximal expected allele frequency for a pathogenic variant in TTN causing Cardiomyopathy phenotype (0.00063), strongly suggesting that the variant is a benign polymorphism found primarily in populations of African or African-American origin. To our knowledge, no occurrence of c.47675C>T in individuals affected with Cardiomyopathy and no experimental evidence demonstrating its impact on protein function have been reported. Two clinical diagnostic laboratories have submitted clinical-significance assessments for this variant to ClinVar after 2014 without evidence for independent evaluation. One laboratory classified the variant as likely benign, and one laboratory classified the variant as uncertain significance. Based on the evidence outlined above, the variant was classified as likely benign.

GeneDx
Classification: Uncertain significance. Last evaluated: 2017-02-06. Review status: criteria provided, single submitter. Criteria: GeneDx Variant Classification (06012015). Collection method: clinical testing. Allele origin: germline. Affected: yes.
Comment: Missense variants in the TTN gene are considered 'unclassified' if they are not previously reported in the literature and do not have >1% frequency in the population to be considered a polymorphism. Research indicates that truncating mutations in the TTN gene are expected to account for approximately 25% of familial and 18% of sporadic idiopathic DCM; however, truncating variants in the TTN gene have been reported in approximately 3% of reported control alleles. There has been little investigation into non-truncating variants. (Herman D et al. Truncations of titin causing dilated cardiomyopathy. N Eng J Med 366:619-628, 2012) The variant is found in CARDIOMYOPATHY panel(s).

NM_001267550.2(TTN):c.55379C>T (p.Thr18460Ile)

Genes: TTN (titin; minus strand), TTN-AS1 (TTN antisense RNA 1; plus strand). Cytogenetic location: 2q31.2.
Variant type: single nucleotide variant.
Coding change: c.55379C>T on transcript NM_001267550.2 (MANE Select); coding-DNA position 55379, C replaced by T.
Protein change: p.Thr18460Ile; replaces threonine 18460 with isoleucine.
Molecular consequence: missense variant.
Genome position (GRCh38, 1-based): chr2:178,601,711, G>A on the plus strand (C>T on the coding strand, the complement: TTN is on the minus strand). VCF-style: chr2-178601711-G-A. GRCh37 (hg19) VCF-style: chr2-179466438-G-A.
Other names: p.T16819I:ACA>ATA; c.50456C>T, p.Thr16819Ile (NM_001256850.1); c.28184C>T, p.Thr9395Ile (NM_003319.4); c.47675C>T, p.Thr15892Ile (NM_133378.4); c.28559C>T, p.Thr9520Ile (NM_133432.3); c.28760C>T, p.Thr9587Ile (NM_133437.4); short protein forms T16819I, T18460I, T9520I, T9395I, T15892I, T9587I.
Identifiers: ClinVar variation 202724 (VCV000202724.21), dbSNP rs372778818, ClinGen allele CA310092.